The following is an entry in ClinVar:

ClinVar aggregate classification (germline): Uncertain significance. Review status: criteria provided, multiple submitters, no conflicts (2 of 4 stars). 2 submissions from 2 submitters: Uncertain significance (2). Last evaluated 2025-07-21.

Conditions:
TRIM32-related disorder. Also called: TRIM32-related condition.
Bardet-Biedl syndrome (BBS). Identifiers: Orphanet 110, MedGen C0752166, MONDO:0015229.

Allele frequency attached by ClinVar (database versions not stated): gnomAD below 0.00001 and 0.00001; gnomAD exomes 0.00001.
gnomAD v4.1: 15 of 1,613,886 alleles (0.00093%); highest among the groups gnomAD compares: South Asian, 0.011%; no homozygotes.

Submissions (2):

PreventionGenetics, part of Exact Sciences
Classification: Uncertain significance for TRIM32-related condition. Last evaluated: 2025-07-21. Review status: criteria provided, single submitter. Criteria: ACMG Guidelines, 2015. Collection method: clinical testing. Allele origin: germline.
Comment: The TRIM32 c.316C>T variant is predicted to result in the amino acid substitution p.Arg106Cys. To our knowledge, this variant has not been reported in the literature. This variant is reported in 0.0098% of alleles in individuals of South Asian descent in gnomAD. At this time, the clinical significance of this variant is uncertain due to the absence of conclusive functional and genetic evidence.

Labcorp Genetics (formerly Invitae), Labcorp
Classification: Uncertain significance for Bardet-Biedl syndrome. Last evaluated: 2022-03-15. Review status: criteria provided, single submitter. Criteria: Invitae Variant Classification Sherloc (09022015). Collection method: clinical testing. Allele origin: germline.
Comment: This sequence change replaces arginine, which is basic and polar, with cysteine, which is neutral and slightly polar, at codon 106 of the TRIM32 protein (p.Arg106Cys). This variant is present in population databases (no rsID available, gnomAD 0.01%). This variant has not been reported in the literature in individuals affected with TRIM32-related conditions. ClinVar contains an entry for this variant (Variation ID: 462947). Algorithms developed to predict the effect of missense changes on protein structure and function (SIFT, PolyPhen-2, Align-GVGD) all suggest that this variant is likely to be disruptive. In summary, the available evidence is currently insufficient to determine the role of this variant in disease. Therefore, it has been classified as a Variant of Uncertain Significance.

NM_012210.4(TRIM32):c.316C>T (p.Arg106Cys)

Genes: ASTN2 (astrotactin 2; minus strand), TRIM32 (tripartite motif containing 32; plus strand). Cytogenetic location: 9q33.1.
Variant type: single nucleotide variant.
Coding change: c.316C>T on transcript NM_012210.4 (MANE Select); coding-DNA position 316, C replaced by T.
Protein change: p.Arg106Cys; replaces arginine 106 with cysteine.
Molecular consequence: missense variant. On other transcripts: intron variant (3).
Genome position (GRCh38, 1-based): chr9:116,698,058, C>T. VCF-style: chr9-116698058-C-T. GRCh37 (hg19) VCF-style: chr9-119460337-C-T.
Other names: c.316C>T, p.Arg106Cys (NM_001099679.2, NM_001379048.1, NM_001379049.1 and 1 more transcripts); c.2653+27713G>A (NM_014010.5); c.2794+27713G>A (NM_001365069.1); c.2806+27713G>A (NM_001365068.1); short protein forms R106C.
Identifiers: ClinVar variation 462947 (VCV000462947.3), dbSNP rs1390593037, ClinGen allele CA374648073.